The following is an entry in ClinVar:

NM_014319.5(LEMD3):c.1063C>A (p.Pro355Thr)

Gene: LEMD3 (LEM domain containing 3; plus strand). Cytogenetic location: 12q14.3.
Variant type: single nucleotide variant.
Coding change: c.1063C>A on transcript NM_014319.5 (MANE Select); coding-DNA position 1063, C replaced by A.
Protein change: p.Pro355Thr; replaces proline 355 with threonine.
Molecular consequence: missense variant.
Genome position (GRCh38, 1-based): chr12:65,170,659, C>A. VCF-style: chr12-65170659-C-A. GRCh37 (hg19) VCF-style: chr12-65564439-C-A.
Other names: c.1063C>A, p.Pro355Thr (NM_001167614.2); short protein forms P355T.
Identifiers: ClinVar variation 2812810 (VCV002812810.3), dbSNP rs202161021, ClinGen allele CA385674940.

ClinVar aggregate classification (germline): Uncertain significance (1 of 4 stars; one submission).

Submission:

Labcorp Genetics (formerly Invitae), Labcorp
Classification: Uncertain significance. Last evaluated: 2022-11-08. Review status: criteria provided, single submitter. Criteria: Invitae Variant Classification Sherloc (09022015). Collection method: clinical testing. Allele origin: germline.
Comment: Advanced modeling of protein sequence and biophysical properties (such as structural, functional, and spatial information, amino acid conservation, physicochemical variation, residue mobility, and thermodynamic stability) performed at Invitae indicates that this missense variant is not expected to disrupt LEMD3 protein function. This sequence change replaces proline, which is neutral and non-polar, with threonine, which is neutral and polar, at codon 355 of the LEMD3 protein (p.Pro355Thr). This variant is not present in population databases (gnomAD no frequency). This variant has not been reported in the literature in individuals affected with LEMD3-related conditions. In summary, the available evidence is currently insufficient to determine the role of this variant in disease. Therefore, it has been classified as a Variant of Uncertain Significance.